The following is an entry in ClinVar:

ClinVar aggregate classification (germline): Uncertain significance (1 of 4 stars; one submission).

Allele frequency attached by ClinVar (database versions not stated): TOPMed 0.00002; gnomAD 0.00003.

Submission:

Women's Health and Genetics/Laboratory Corporation of America, LabCorp
Classification: Uncertain significance. Last evaluated: 2023-01-18. Review status: criteria provided, single submitter. Criteria: LabCorp Variant Classification Summary - May 2015. Collection method: clinical testing. Allele origin: germline.
Comment: Variant summary: NONO c.1131+5A>G alters a non-conserved nucleotide located close to a canonical splice site and therefore could affect mRNA splicing, leading to a significantly altered protein sequence. 4/4 computational tools predict no significant impact on normal splicing. However, these predictions have yet to be confirmed by functional studies. The variant was absent in 173884 control chromosomes (gnomAD). The available data on variant occurrences in the general population are insufficient to allow any conclusion about variant significance. To our knowledge, no occurrence of c.1131+5A>G in individuals affected with Mental Retardation, X-Linked, Syndromic 34 and no experimental evidence demonstrating its impact on protein function have been reported. No clinical diagnostic laboratories have submitted clinical-significance assessments for this variant to ClinVar after 2014. Based on the evidence outlined above, the variant was classified as uncertain significance.

NM_007363.5(NONO):c.1131+5A>G

Gene: NONO (non-POU domain containing octamer binding; plus strand). Cytogenetic location: Xq13.1.
Variant type: single nucleotide variant.
Coding change: c.1131+5A>G on transcript NM_007363.5 (MANE Select); 5 bases into the intron after coding-DNA position 1131, A replaced by G.
Molecular consequence: intron variant.
Genome position (GRCh38, 1-based): chrX:71,297,943, A>G. VCF-style: chrX-71297943-A-G. GRCh37 (hg19) VCF-style: chrX-70517793-A-G.
Other names: c.1131+5A>G (NM_001145408.2, NM_001145409.2); c.864+5A>G (NM_001145410.2).
Identifiers: ClinVar variation 2429176 (VCV002429176.2), dbSNP rs974331371, ClinGen allele CA331035752.